The following is an entry in ClinVar:

ClinVar aggregate classification (germline): Uncertain significance (1 of 4 stars; one submission).

Allele frequency attached by ClinVar (database versions not stated): gnomAD exomes below 0.00001; TOPMed below 0.00001; ExAC 0.00001.
gnomAD v4.1: 4 of 1,609,390 alleles (0.00025%); highest among the groups gnomAD compares: Non-Finnish European, 0.00034%; no homozygotes.

Submission:

Labcorp Genetics (formerly Invitae), Labcorp
Classification: Uncertain significance. Last evaluated: 2023-06-14. Review status: criteria provided, single submitter. Criteria: Invitae Variant Classification Sherloc (09022015). Collection method: clinical testing. Allele origin: germline.
Comment: This sequence change replaces aspartic acid, which is acidic and polar, with histidine, which is basic and polar, at codon 88 of the EPAS1 protein (p.Asp88His). This variant is present in population databases (rs763309336, gnomAD 0.0009%). This variant has not been reported in the literature in individuals affected with EPAS1-related conditions. An algorithm developed to predict the effect of missense changes on protein structure and function (PolyPhen-2) suggests that this variant is likely to be disruptive. In summary, the available evidence is currently insufficient to determine the role of this variant in disease. Therefore, it has been classified as a Variant of Uncertain Significance.

NM_001430.5(EPAS1):c.262G>C (p.Asp88His)

Gene: EPAS1 (endothelial PAS domain protein 1; plus strand). Cytogenetic location: 2p21.
Variant type: single nucleotide variant.
Coding change: c.262G>C on transcript NM_001430.5 (MANE Select); coding-DNA position 262, G replaced by C.
Protein change: p.Asp88His; replaces aspartic acid 88 with histidine.
Molecular consequence: missense variant.
Genome position (GRCh38, 1-based): chr2:46,356,195, G>C. VCF-style: chr2-46356195-G-C. GRCh37 (hg19) VCF-style: chr2-46583334-G-C.
Other names: short protein forms D88H.
Identifiers: ClinVar variation 3005170 (VCV003005170.3), dbSNP rs763309336, ClinGen allele CA1644592.